The following is an entry in ClinVar:

NM_002303.6(LEPR):c.2063A>G (p.Asn688Ser)

Genes: LEPR (leptin receptor; plus strand), LOC122094844 (Sharpr-MPRA regulatory region 5730; plus strand). Cytogenetic location: 1p31.3.
Variant type: single nucleotide variant.
Coding change: c.2063A>G on transcript NM_002303.6 (MANE Select); coding-DNA position 2063, A replaced by G.
Protein change: p.Asn688Ser; replaces asparagine 688 with serine.
Molecular consequence: missense variant.
Genome position (GRCh38, 1-based): chr1:65,616,075, A>G. VCF-style: chr1-65616075-A-G. GRCh37 (hg19) VCF-style: chr1-66081758-A-G.
Other names: c.2063A>G, p.Asn688Ser (NM_001003679.3, NM_001003680.3, NM_001198687.2 and 2 more transcripts); short protein forms N688S.
Identifiers: ClinVar variation 2302834 (VCV002302834.3), dbSNP rs1657507283, ClinGen allele CA340677294.
Genomic context (GRCh38, chr1:65,616,075, plus strand): 5'-TGAAAAATGACTCATTGTGCAGTGTTCAGAGATATGTGATAAACCATCATACTTCCTGCA[A>G]TGGAACATGGTCAGAAGATGTGGGAAATCACACGAAATTCACTTTCCTGTGGACAGAGCA-3'
Protein context (NP_002294.2, residues 678-698): RYVINHHTSC[Asn688Ser]GTWSEDVGNH

ClinVar aggregate classification (germline): Uncertain significance. Review status: criteria provided, single submitter (1 of 4 stars). 2 submissions from 2 submitters: Uncertain significance (1). 1 of the submissions does not count toward it. Last evaluated 2022-07-20.

Conditions:
LEPR-related disorder. Also called: LEPR-related disorders; LEPR-related condition.
Inborn genetic diseases. Identifiers: MedGen C0950123, MeSH D030342.

Allele frequency attached by ClinVar (database versions not stated): TOPMed 0.00001.

Submissions (2):

Ambry Genetics
Classification: Uncertain significance for Inborn genetic diseases. Last evaluated: 2022-07-20. Review status: criteria provided, single submitter. Criteria: Ambry Variant Classification Scheme 2023. Collection method: clinical testing. Allele origin: germline.

PreventionGenetics, part of Exact Sciences
Classification: Uncertain significance for LEPR-related condition. Last evaluated: 2024-06-24. Review status: no assertion criteria provided. Collection method: clinical testing. Allele origin: germline. Not counted in ClinVar's aggregate classification.
Comment: The LEPR c.2063A>G variant is predicted to result in the amino acid substitution p.Asn688Ser. This variant was observed in a cohort of individuals with obesity, and in vitro functional studies showed function similar to wild-type levels (Supplemental Data Set, Shah et al. 2023. PubMed ID: 36864747). To our knowledge, this variant has not been reported in a large population database, indicating this variant is rare. At this time, the clinical significance of this variant is uncertain due to the absence of conclusive functional and genetic evidence.